The following is an entry in ClinVar:

ClinVar aggregate classification (germline): Likely benign. Review status: reviewed by expert panel (3 of 4 stars). 5 submissions from 5 submitters: Likely benign (1). 4 of the submissions do not count toward it. Last evaluated 2025-01-15.

Conditions:
RUNX1-related disorder. Also called: RUNX1-related condition.
Hereditary thrombocytopenia and hematologic cancer predisposition syndrome. Identifiers: Orphanet 71290, MedGen CN281654, MONDO:0011071.
Inborn genetic diseases. Identifiers: MedGen C0950123, MeSH D030342.
Hereditary thrombocytopenia and hematological cancer predisposition syndrome associated with RUNX1. Also called: Familial Platelet Disorder with Propensity to Acute Myelogenous Leukemia; Familial thrombocytopenia with propensity to acute myelogenous leukemia; PLATELET DISORDER, ASPIRIN-LIKE; RUNX1 Familial Platelet Disorder with Associated Myeloid Malignancies. Identifiers: Orphanet 71290, MedGen C1832388, MeSH C563324, MONDO:0100083, OMIM 601399.

Allele frequency attached by ClinVar (database versions not stated): gnomAD exomes 0.00001 and 0.00003; 1000 Genomes Project 30x 0.00016.
gnomAD v4.1: 9 of 1,551,540 alleles (0.00058%); highest among the groups gnomAD compares: Admixed American, 0.014%; no homozygotes.

Submissions (5):

ClinGen Myeloid Malignancy Variant Curation Expert Panel
Classification: Likely benign for Hereditary thrombocytopenia and hematologic cancer predisposition syndrome. Last evaluated: 2025-01-15. Review status: reviewed by expert panel. Criteria: ClinGen MyeloMalig ACMG Specifications v2. Collection method: curation. Allele origin: germline. Inheritance: Autosomal dominant inheritance.
Comment: NM_001754.5(RUNX1):c.1257G>A (p.Val419=) is a synonymous variant which meets criteria for likely benign classification. The MAF is 0.0001369 (0.01369%, 7/51146 alleles) in the Admixed American subpopulation of the gnomAD v4.1.0 cohort, which is between 0.00015 (0.015%) and 0.0015 (0.15%) (BS1). It has a SpliceAI score ≤ 0.20 (Donor gain Δ score 0.01) (BP4), and evolutionary conservation algorithms predict the site as not being conserved (PhyloP score ≤ 2.0 (0.370)) (BP7). In summary, this variant meets criteria to be classified as likely benign. ACMG/AMP criteria applied, as specified by the Myeloid Malignancy Variant Curation Expert Panel for RUNX1: BS1, BP4, BP7.

Labcorp Genetics (formerly Invitae), Labcorp
Classification: Likely benign for Hereditary thrombocytopenia and hematological cancer predisposition syndrome associated with RUNX1. Last evaluated: 2025-07-30. Review status: criteria provided, single submitter. Criteria: Invitae Variant Classification Sherloc (09022015). Collection method: clinical testing. Allele origin: germline. Not counted in ClinVar's aggregate classification.

Ambry Genetics
Classification: Likely benign for Inborn genetic diseases. Last evaluated: 2024-12-10. Review status: criteria provided, single submitter. Criteria: Ambry Variant Classification Scheme 2023. Collection method: clinical testing. Allele origin: germline. Not counted in ClinVar's aggregate classification.

Genetic Services Laboratory, University of Chicago
Classification: Uncertain significance. Last evaluated: 2016-09-28. Review status: criteria provided, single submitter. Criteria: ACMG Guidelines, 2015. Collection method: clinical testing. Allele origin: germline. Affected: no. Not counted in ClinVar's aggregate classification.

PreventionGenetics, part of Exact Sciences
Classification: Likely benign for RUNX1-related condition. Last evaluated: 2024-05-17. Review status: no assertion criteria provided. Collection method: clinical testing. Allele origin: germline. Not counted in ClinVar's aggregate classification.
Comment: This variant is classified as likely benign based on ACMG/AMP sequence variant interpretation guidelines (Richards et al. 2015 PMID: 25741868, with internal and published modifications).

NM_001754.5(RUNX1):c.1257G>A (p.Val419=)

Gene: RUNX1 (RUNX family transcription factor 1; minus strand). Cytogenetic location: 21q22.12.
Variant type: single nucleotide variant.
Coding change: c.1257G>A on transcript NM_001754.5 (MANE Select); coding-DNA position 1257, G replaced by A.
Protein change: p.Val419=; no amino-acid change (valine 419 retained).
Molecular consequence: synonymous variant.
Genome position (GRCh38, 1-based): chr21:34,792,321, C>T on the plus strand (G>A on the coding strand, the complement: RUNX1 is on the minus strand). VCF-style: chr21-34792321-C-T. GRCh37 (hg19) VCF-style: chr21-36164618-C-T.
Other names: NM_001754.4(RUNX1):c.1257G>A; c.1176G>A, p.Val392= (NM_001001890.3).
Identifiers: ClinVar variation 436611 (VCV000436611.15), dbSNP rs1172332120, ClinGen allele CA512341177.